The following is an entry in ClinVar:

NM_001378120.1(MBD5):c.1109A>G (p.Asn370Ser)

Gene: MBD5 (methyl-CpG binding domain protein 5; plus strand). Cytogenetic location: 2q23.1.
Variant type: single nucleotide variant.
Coding change: c.1109A>G on transcript NM_001378120.1 (MANE Select); coding-DNA position 1109, A replaced by G.
Protein change: p.Asn370Ser; replaces asparagine 370 with serine.
Molecular consequence: missense variant.
Genome position (GRCh38, 1-based): chr2:148,469,052, A>G. VCF-style: chr2-148469052-A-G. GRCh37 (hg19) VCF-style: chr2-149226621-A-G.
Other names: c.1109A>G, p.Asn370Ser (NM_018328.5); short protein forms N370S.
Identifiers: ClinVar variation 2718762 (VCV002718762.3), dbSNP rs1459305955, ClinGen allele CA348718395.

ClinVar aggregate classification (germline): Uncertain significance (1 of 4 stars; one submission).

Conditions:
Intellectual developmental disorder, autosomal dominant 1. Also called: Intellectual disability, autosomal dominant 1; MBD5 Haploinsufficiency. Identifiers: Orphanet 228402, MedGen C1969562, MONDO:0007974, OMIM 156200.

Allele frequency attached by ClinVar (database versions not stated): gnomAD exomes 0.00001.
gnomAD v4.1: 20 of 1,614,052 alleles (0.0012%); highest among the groups gnomAD compares: Non-Finnish European, 0.0017%; no homozygotes.

Submission:

Labcorp Genetics (formerly Invitae), Labcorp
Classification: Uncertain significance for Intellectual developmental disorder, autosomal dominant 1. Last evaluated: 2024-07-15. Review status: criteria provided, single submitter. Criteria: Invitae Variant Classification Sherloc (09022015). Collection method: clinical testing. Allele origin: germline.
Comment: This sequence change replaces asparagine, which is neutral and polar, with serine, which is neutral and polar, at codon 370 of the MBD5 protein (p.Asn370Ser). This variant is present in population databases (no rsID available, gnomAD 0.0009%). This variant has not been reported in the literature in individuals affected with MBD5-related conditions. Advanced modeling of protein sequence and biophysical properties (such as structural, functional, and spatial information, amino acid conservation, physicochemical variation, residue mobility, and thermodynamic stability) performed at Invitae indicates that this missense variant is not expected to disrupt MBD5 protein function with a negative predictive value of 80%. In summary, the available evidence is currently insufficient to determine the role of this variant in disease. Therefore, it has been classified as a Variant of Uncertain Significance.